The following is an entry in ClinVar:

NM_000090.4(COL3A1):c.1912_1913del (p.Gln638fs)

Gene: COL3A1 (collagen type III alpha 1 chain; plus strand). Cytogenetic location: 2q32.2.
Variant type: Microsatellite.
Coding change: c.1912_1913del on transcript NM_000090.4 (MANE Select); coding-DNA positions 1912 to 1913, 2 bases deleted (CA; older notation c.1912_1913delCA).
Protein change: p.Gln638fs; shifts the reading frame from glutamine 638.
Molecular consequence: frameshift variant.
Genome position (GRCh38, 1-based): chr2:188,997,742-188,997,743, CA deleted; deleting any 2 consecutive bases within chr2:188,997,740-188,997,743 gives the same sequence; the c. name uses the placement nearest the transcript's 3' end. VCF-style (leftmost placement, unchanged base first): chr2-188997739-CCA-C. GRCh37 (hg19) VCF-style: chr2-189862465-CCA-C.
Other names: short protein forms Q638fs.
Identifiers: ClinVar variation 805951 (VCV000805951.3), dbSNP rs1576467391, ClinGen allele CA915942285.
Genomic context (GRCh38, chr2:188,997,739, plus strand): 5'-TGTATCATTATACTTTTCTAGGGGCCTGGTGGTGACAAAGGAGACACAGGACCCCCTGGT[CCA>C]CAAGGATTACAAGTAAGAACTTGTTATTTAAATGTCACGGCATATCTGACTGTCAAATTT-3'

ClinVar aggregate classification (germline): Pathogenic (1 of 4 stars; one submission).

Conditions:
Ehlers-Danlos syndrome, type 4 (EDSVASC). Also called: Ehlers-Danlos Syndrome Type IV; Ehlers-Danlos syndrome vascular type; Ehlers Danlos syndrome, ecchymotic type; Ehlers Danlos syndrome, arterial type; Ehlers Danlos syndrome, Sack-Barabas type. Identifiers: Orphanet 286, MedGen C0268338, MONDO:0017314, OMIM 130050.

Submission:

Institute of Human Genetics, University of Goettingen
Classification: Pathogenic for Ehlers-Danlos syndrome, type 4. Last evaluated: 2020-01-13. Review status: criteria provided, single submitter. Criteria: ACMG Guidelines, 2015. Collection method: clinical testing. Allele origin: unknown. Inheritance: Autosomal dominant inheritance. Affected: yes. Observed: 1 heterozygote.
Comment: The COL3A1-variant c.1912_1913del is classified by our institute as a pathogenic variant, as it is not present in any databases (gnomAD / ExAC) and leads to a premature stop codon due to a frameshift mutation.